The following is an entry in ClinVar:

ClinVar aggregate classification (germline): Uncertain significance (1 of 4 stars; one submission).

Conditions:
Cardiovascular phenotype. Identifiers: MedGen CN230736.

Submission:

Ambry Genetics
Classification: Uncertain significance for Cardiovascular phenotype. Last evaluated: 2024-09-17. Review status: criteria provided, single submitter. Criteria: Ambry Variant Classification Scheme 2023. Collection method: clinical testing. Allele origin: germline.
Comment: The p.Q259H variant (also known as c.777G>T), located in coding exon 6 of the TRPM4 gene, results from a G to T substitution at nucleotide position 777. The glutamine at codon 259 is replaced by histidine, an amino acid with highly similar properties. This amino acid position is conserved. In addition, this alteration is predicted to be tolerated by in silico analysis. Based on the available evidence, the clinical significance of this variant remains unclear.

NM_017636.4(TRPM4):c.777G>T (p.Gln259His)

Gene: TRPM4 (transient receptor potential cation channel subfamily M member 4; plus strand). Cytogenetic location: 19q13.33.
Variant type: single nucleotide variant.
Coding change: c.777G>T on transcript NM_017636.4 (MANE Select); coding-DNA position 777, G replaced by T.
Protein change: p.Gln259His; replaces glutamine 259 with histidine.
Molecular consequence: missense variant. On other transcripts: 5 prime UTR variant (2).
Genome position (GRCh38, 1-based): chr19:49,168,717, G>T. VCF-style: chr19-49168717-G-T. GRCh37 (hg19) VCF-style: chr19-49671974-G-T.
Other names: c.777G>T, p.Gln259His (NM_001195227.2); c.432G>T, p.Gln144His (NM_001321281.2); c.-777G>T (NM_001321282.2); c.255G>T, p.Gln85His (NM_001321283.2); c.-73G>T (NM_001321285.2); short protein forms Q259H, Q85H, Q144H.
Identifiers: ClinVar variation 3462147 (VCV003462147.1).
Genomic context (GRCh38, chr19:49,168,717, plus strand): 5'-ACACGGCTGCCTGGGGGGCGAGAACCGCTTCCGCTTGCGCCTGGAGTCCTACATCTCACA[G>T]CAGAAGACGGGCGTGGGAGGTGAGTGGTCGAACCCATGACCCACAACCCACGACCCACAA-3'
Protein context (NP_060106.2, residues 249-269): FRLRLESYIS[Gln259His]QKTGVGGTGI